The following is an entry in ClinVar:

NM_001127222.2(CACNA1A):c.6609G>C (p.Lys2203Asn)

Gene: CACNA1A (calcium voltage-gated channel subunit alpha1 A; minus strand). Cytogenetic location: 19p13.13.
Variant type: single nucleotide variant.
Coding change: c.6609G>C on transcript NM_001127222.2 (MANE Select); coding-DNA position 6609, G replaced by C.
Protein change: p.Lys2203Asn; replaces lysine 2203 with asparagine.
Molecular consequence: missense variant.
Genome position (GRCh38, 1-based): chr19:13,208,927, C>G on the plus strand (G>C on the coding strand, the complement: CACNA1A is on the minus strand). VCF-style: chr19-13208927-C-G. GRCh37 (hg19) VCF-style: chr19-13319741-C-G.
Other names: c.6627G>C, p.Lys2209Asn (NM_000068.4, NM_023035.3); c.6612G>C, p.Lys2204Asn (NM_001127221.2); c.6618G>C, p.Lys2206Asn (NM_001174080.2); short protein forms K2203N, K2204N, K2206N, K2209N.
Identifiers: ClinVar variation 1004580 (VCV001004580.9), dbSNP rs1276672646, ClinGen allele CA404330528.

ClinVar aggregate classification (germline): Uncertain significance (1 of 4 stars; one submission).

Conditions:
Developmental and epileptic encephalopathy, 42 (DEE42A). Also called: Epileptic encephalopathy, early infantile, 42; DEVELOPMENTAL AND EPILEPTIC ENCEPHALOPATHY 42A; EPILEPTIC ENCEPHALOPATHY, EARLY INFANTILE, 42A. Identifiers: MedGen C4310716, MONDO:0014917, OMIM 617106.
Episodic ataxia type 2 (EA2). Also called: ACETAZOLAMIDE-RESPONSIVE HEREDITARY PAROXYSMAL CEREBELLAR ATAXIA; ATAXIA, EPISODIC, WITH NYSTAGMUS; ATAXIA, FAMILIAL PAROXYSMAL; CEREBELLAR ATAXIA, PAROXYSMAL, ACETAZOLAMIDE-RESPONSIVE; CEREBELLOPATHY, HEREDITARY PAROXYSMAL; EPISODIC ATAXIA, NYSTAGMUS-ASSOCIATED. Identifiers: Orphanet 97, MedGen C1720416, MONDO:0007163, OMIM 108500.

Allele frequency attached by ClinVar (database versions not stated): gnomAD exomes below 0.00001.
gnomAD v4.1: 5 of 1,537,406 alleles (0.00033%); highest among the groups gnomAD compares: Non-Finnish European, 0.00044%; no homozygotes.

Submission:

Labcorp Genetics (formerly Invitae), Labcorp
Classification: Uncertain significance for Developmental and epileptic encephalopathy, 42; Episodic ataxia type 2. Last evaluated: 2020-09-03. Review status: criteria provided, single submitter. Criteria: Invitae Variant Classification Sherloc (09022015). Collection method: clinical testing. Allele origin: germline.
Comment: In summary, the available evidence is currently insufficient to determine the role of this variant in disease. Therefore, it has been classified as a Variant of Uncertain Significance. Advanced modeling of protein sequence and biophysical properties (such as structural, functional, and spatial information, amino acid conservation, physicochemical variation, residue mobility, and thermodynamic stability) performed at Invitae indicates that this missense variant is not expected to disrupt CACNA1A protein function. This variant has not been reported in the literature in individuals with CACNA1A-related conditions. This variant is not present in population databases (ExAC no frequency). This sequence change replaces lysine with asparagine at codon 2204 of the CACNA1A protein (p.Lys2204Asn). The lysine residue is moderately conserved and there is a moderate physicochemical difference between lysine and asparagine.